The following is an entry in ClinVar:

NM_001276345.2(TNNT2):c.53-6G>A

Gene: TNNT2 (troponin T2, cardiac type; minus strand). Cytogenetic location: 1q32.1.
Variant type: single nucleotide variant.
Coding change: c.53-6G>A on transcript NM_001276345.2 (MANE Select); 6 bases into the intron before coding-DNA position 53, G replaced by A.
Molecular consequence: intron variant.
Genome position (GRCh38, 1-based): chr1:201,372,047, C>T on the plus strand (G>A on the coding strand, the complement: TNNT2 is on the minus strand). VCF-style: chr1-201372047-C-T. GRCh37 (hg19) VCF-style: chr1-201341175-C-T.
Other names: c.52+98G>A (NM_001001432.3); c.53-6G>A (NM_001001431.3, NM_001001430.3, NM_001276346.2 and 2 more transcripts).
Identifiers: ClinVar variation 387466 (VCV000387466.3), dbSNP rs764862951, ClinGen allele CA077325.

ClinVar aggregate classification (germline): Conflicting classifications of pathogenicity. Review status: criteria provided, conflicting classifications (1 of 4 stars). 3 submissions from 3 submitters: Uncertain significance (2); Likely benign (1). Last evaluated 2023-06-26.

Conditions:
Dilated cardiomyopathy 1D. Identifiers: Orphanet 154, Orphanet 54260, MedGen C1832243, MONDO:0011095, OMIM 601494.
Cardiomyopathy, familial restrictive, 3. Identifiers: Orphanet 75249, MedGen C2676271, MONDO:0012900, OMIM 612422.
Hypertrophic cardiomyopathy 2. Also called: TNNT2-Related Familial Hypertrophic Cardiomyopathy. Identifiers: MedGen C1861864, MONDO:0007266, OMIM 115195.
Cardiomyopathy (CMYO). Also called: Cardiomyopathies. Identifiers: Orphanet 167848, MedGen C0878544, MONDO:0004994, HP:0001638. Inheritance: Various modes of inheritance.

Allele frequency attached by ClinVar (database versions not stated): gnomAD exomes below 0.00001 and 0.00001; TOPMed below 0.00001; ExAC 0.00001.

Submissions (3):

All of Us Research Program, National Institutes of Health
Classification: Uncertain significance for Cardiomyopathy. Last evaluated: 2023-06-26. Review status: criteria provided, single submitter. Criteria: ACMG Guidelines, 2015. Collection method: clinical testing. Allele origin: germline. Inheritance: Autosomal dominant inheritance. Observed: 1 variant allele, 1 heterozygote.
Comment: This variant causes a G to A nucleotide substitution at the -6 position of intron 3 of the TNNT2 gene. Splice site prediction tools are inconclusive regarding the impact of this variant on RNA splicing. To our knowledge, functional studies have not been reported for this variant. This variant has not been reported in individuals affected with TNNT2-related disorders in the literature. This variant has been identified in 1/251208 chromosomes in the general population by the Genome Aggregation Database (gnomAD). The available evidence is insufficient to determine the role of this variant in disease conclusively. Therefore, this variant is classified as a Variant of Uncertain Significance.

This study involves interpretation of variants in research participants for the purpose of population health screening. Participant phenotype was not available at the time of variant classification. Additional details can be found in publication PMID: 35346344, PMCID: PMC8962531

Labcorp Genetics (formerly Invitae), Labcorp
Classification: Uncertain significance for Cardiomyopathy, familial restrictive, 3; Hypertrophic cardiomyopathy 2; Dilated cardiomyopathy 1D. Last evaluated: 2022-10-05. Review status: criteria provided, single submitter. Criteria: Invitae Variant Classification Sherloc (09022015). Collection method: clinical testing. Allele origin: germline.
Comment: This sequence change falls in intron 3 of the TNNT2 gene. It does not directly change the encoded amino acid sequence of the TNNT2 protein. This variant is present in population databases (rs764862951, gnomAD 0.0009%). This variant has not been reported in the literature in individuals affected with TNNT2-related conditions. ClinVar contains an entry for this variant (Variation ID: 387466). Algorithms developed to predict the effect of sequence changes on RNA splicing suggest that this variant may create or strengthen a splice site. In summary, the available evidence is currently insufficient to determine the role of this variant in disease. Therefore, it has been classified as a Variant of Uncertain Significance.

GeneDx
Classification: Likely benign. Last evaluated: 2016-07-06. Review status: criteria provided, single submitter. Criteria: GeneDx Variant Classification (06012015). Collection method: clinical testing. Allele origin: germline. Affected: yes.
Comment: This variant is considered likely benign or benign based on one or more of the following criteria: it is a conservative change, it occurs at a poorly conserved position in the protein, it is predicted to be benign by multiple in silico algorithms, and/or has population frequency not consistent with disease.